The following is an entry in ClinVar:

ClinVar aggregate classification (germline): Conflicting classifications of pathogenicity. Review status: criteria provided, conflicting classifications (1 of 4 stars). 10 submissions from 9 submitters: Uncertain significance (8); Likely benign (1). 1 of the submissions does not count toward it. Last evaluated 2025-12-08.

Conditions:
Cardiovascular phenotype. Identifiers: MedGen CN230736.
Arrhythmogenic right ventricular dysplasia 2. Identifiers: MedGen C1832931.
Catecholaminergic polymorphic ventricular tachycardia 1. Also called: VENTRICULAR TACHYCARDIA, STRESS-INDUCED POLYMORPHIC 1; VENTRICULAR TACHYCARDIA, CATECHOLAMINERGIC POLYMORPHIC, 1, WITH OR WITHOUT ATRIAL DYSFUNCTION AND/OR DILATED CARDIOMYOPATHY; RYR2-Related Catecholaminergic Polymorphic Ventricular Tachycardia. Identifiers: Orphanet 3286, MedGen C1631597, MONDO:0011484, OMIM 604772.
Ventricular arrhythmias due to cardiac ryanodine receptor calcium release deficiency syndrome. Also called: Autosomal dominant cardiac arrhythmia (Kuhn). Identifiers: MedGen C5542154, MONDO:0020745, OMIM 115000.
Catecholaminergic polymorphic ventricular tachycardia (CVPT). Also called: Catecholamine-induced polymorphic ventricular tachycardia. Identifiers: Orphanet 3286, MedGen C5574922, MONDO:0017990.
Cardiomyopathy (CMYO). Also called: Cardiomyopathies. Identifiers: Orphanet 167848, MedGen C0878544, MONDO:0004994, HP:0001638. Inheritance: Various modes of inheritance.
Wolff-Parkinson-White pattern. Also called: WPW SYNDROME; Auriculoventricular accessory pathway syndrome; False bundle branch block syndrome; Anomalous ventricular excitation syndrome. Identifiers: MedGen C0043202, MONDO:0008685, OMIM 194200, HP:0001716.

Allele frequency attached by ClinVar (database versions not stated): ExAC 0.00002; gnomAD 0.00004; gnomAD exomes 0.00004 and 0.00001; TOPMed 0.00006; ESP Exome Variant Server 0.00017.
gnomAD v4.1: 71 of 1,613,108 alleles (0.0044%); highest among the groups gnomAD compares: Non-Finnish European, 0.0058%; no homozygotes.

Submissions (10):

Labcorp Genetics (formerly Invitae), Labcorp
Classification: Likely benign for Catecholaminergic polymorphic ventricular tachycardia 1. Last evaluated: 2025-12-08. Review status: criteria provided, single submitter. Criteria: Invitae Variant Classification Sherloc (09022015). Collection method: clinical testing. Allele origin: germline.

Color Diagnostics, LLC DBA Color Health
Classification: Uncertain significance for Cardiomyopathy. Last evaluated: 2025-06-25. Review status: criteria provided, single submitter. Criteria: ACMG Guidelines, 2015. Collection method: clinical testing. Allele origin: germline.
Comment: This missense variant replaces alanine with threonine at codon 328 of the RYR2 protein. Computational prediction suggests that this variant may not impact protein structure and function. To our knowledge, functional studies have not been reported for this variant. This variant has been reported in an individual affected with Wolff-Parkinson-White syndrome (PMID: 32233023). This variant has been identified in 3/248122 chromosomes in the general population by the Genome Aggregation Database (gnomAD). The available evidence is insufficient to determine the role of this variant in disease conclusively. Therefore, this variant is classified as a Variant of Uncertain Significance.

All of Us Research Program, National Institutes of Health
Classification: Uncertain significance for Catecholaminergic polymorphic ventricular tachycardia. Last evaluated: 2024-09-17. Review status: criteria provided, single submitter. Criteria: ACMG Guidelines, 2015. Collection method: clinical testing. Allele origin: germline. Inheritance: Autosomal dominant inheritance. Observed: 4 variant alleles, 4 heterozygotes.
Comment: Variant of Uncertain Significance due to insufficient evidence: This missense variant is located in the MIR motif 4 of the cytoplasmic MIR domain of the RYR2 protein. Computational prediction tools and conservation analyses are inconclusive regarding the impact of this variant on the protein function. Computational splicing tools suggest that this variant may not impact RNA splicing. To our knowledge, functional assays have not been performed for this variant nor has this variant been reported in individuals affected with cardiovascular disorders in the literature. This variant has been identified in 3/245130 chromosomes in the general population by the Genome Aggregation Database (gnomAD). Available evidence is insufficient to determine the pathogenicity of this variant conclusively.

This study involves interpretation of variants in research participants for the purpose of population health screening. Participant phenotype was not available at the time of variant classification. Additional details can be found in publication PMID: 35346344, PMCID: PMC8962531

Ambry Genetics
Classification: Uncertain significance for Cardiovascular phenotype. Last evaluated: 2023-08-10. Review status: criteria provided, single submitter. Criteria: Ambry General Variant Classification Scheme_2022. Collection method: clinical testing. Allele origin: germline.
Comment: The p.A328T variant (also known as c.982G>A), located in coding exon 12 of the RYR2 gene, results from a G to A substitution at nucleotide position 982. The alanine at codon 328 is replaced by threonine, an amino acid with similar properties. This alteration has been reported in a Wolff Parkinson White cohort (Coban-Akdemir ZH et al. Am J Med Genet A, 2020 Jun;182:1387-1399). This amino acid position is highly conserved in available vertebrate species. In addition, this alteration is predicted to be tolerated by in silico analysis. Since supporting evidence is limited at this time, the clinical significance of this alteration remains unclear.

Mayo Clinic Laboratories, Mayo Clinic
Classification: Uncertain significance. Last evaluated: 2023-04-17. Review status: criteria provided, single submitter. Criteria: ACMG Guidelines, 2015. Collection method: clinical testing. Allele origin: germline. Observed: 1 variant allele.
Comment: PP2

Fulgent Genetics
Classification: Uncertain significance for Ventricular arrhythmias due to cardiac ryanodine receptor calcium release deficiency syndrome; Catecholaminergic polymorphic ventricular tachycardia 1. Last evaluated: 2021-09-29. Review status: criteria provided, single submitter. Criteria: ACMG Guidelines, 2015. Collection method: clinical testing. Allele origin: unknown.

Illumina Laboratory Services, Illumina
Classification: Uncertain significance for Catecholaminergic polymorphic ventricular tachycardia 1. Last evaluated: 2018-01-12. Review status: criteria provided, single submitter. Criteria: ICSL Variant Classification Criteria 13 December 2019. Collection method: clinical testing. Allele origin: germline.

Illumina Laboratory Services, Illumina
Classification: Uncertain significance for Catecholaminergic polymorphic ventricular tachycardia 1. Last evaluated: 2018-01-12. Review status: criteria provided, single submitter. Criteria: ICSL Variant Classification Criteria 13 December 2019. Collection method: clinical testing. Allele origin: germline.

Eurofins Ntd Llc (ga)
Classification: Uncertain significance. Last evaluated: 2013-11-12. Review status: criteria provided, single submitter. Criteria: EGL Classification Definitions 2015. Collection method: clinical testing. Allele origin: germline. Observed: 1 variant allele, 1 heterozygote.

Lupski Lab, Baylor-Hopkins CMG, Baylor College of Medicine
Classification: Uncertain significance for Wolff-Parkinson-White pattern. Last evaluated: 2017-07-14. Review status: no assertion criteria provided. Collection method: research. Allele origin: inherited. Affected: yes. Observed: 1 variant allele. Study: Candidate_variants_in_patients_with_ Wolff-Parkinson-White Syndrome. Not counted in ClinVar's aggregate classification.

Literature cited by the submitters: PubMed 32233023 (cited by Color Diagnostics, LLC DBA Color Health and Ambry Genetics).

NM_001035.3(RYR2):c.982G>A (p.Ala328Thr)

Gene: RYR2 (ryanodine receptor 2; plus strand). Cytogenetic location: 1q43.
Variant type: single nucleotide variant.
Coding change: c.982G>A on transcript NM_001035.3 (MANE Select); coding-DNA position 982, G replaced by A.
Protein change: p.Ala328Thr; replaces alanine 328 with threonine.
Molecular consequence: missense variant.
Genome position (GRCh38, 1-based): chr1:237,423,225, G>A. VCF-style: chr1-237423225-G-A. GRCh37 (hg19) VCF-style: chr1-237586525-G-A.
Other names: c.982G>A, p.Ala328Thr (LRG_402t1); short protein forms A328T.
Identifiers: ClinVar variation 93480 (VCV000093480.28), dbSNP rs201669522, ClinGen allele CA011326.